The following is an entry in ClinVar:

NM_001379286.1(ZNF423):c.143G>A (p.Arg48His)

Gene: ZNF423 (zinc finger protein 423; minus strand). Cytogenetic location: 16q12.1.
Variant type: single nucleotide variant.
Coding change: c.143G>A on transcript NM_001379286.1 (MANE Select); coding-DNA position 143, G replaced by A.
Protein change: p.Arg48His; replaces arginine 48 with histidine.
Molecular consequence: missense variant. On other transcripts: 5 prime UTR variant (1).
Genome position (GRCh38, 1-based): chr16:49,730,929, C>T on the plus strand (G>A on the coding strand, the complement: ZNF423 is on the minus strand). VCF-style: chr16-49730929-C-T. GRCh37 (hg19) VCF-style: chr16-49764840-C-T.
Other names: c.-62G>A (NM_001271620.2); c.119G>A, p.Arg40His (NM_015069.5); c.119G>A (NM_015069.4); short protein forms R40H, R48H.
Identifiers: ClinVar variation 1060986 (VCV001060986.5), dbSNP rs759959155, ClinGen allele CA8046950.

ClinVar aggregate classification (germline): Uncertain significance. Review status: criteria provided, multiple submitters, no conflicts (2 of 4 stars). 2 submissions from 2 submitters: Uncertain significance (2). Last evaluated 2026-04-21.

Conditions:
ZNF423-related disorder. Also called: ZNF423-related condition.
Nephronophthisis 14 (NPHP14). Identifiers: Orphanet 2318, MedGen C3539071, MONDO:0013916, OMIM 614844.

Allele frequency attached by ClinVar (database versions not stated): ExAC 0.00002; TOPMed 0.00002; gnomAD exomes 0.00003; 1000 Genomes Project 30x 0.00016.
gnomAD v4.1: 47 of 1,614,206 alleles (0.0029%); highest among the groups gnomAD compares: Middle Eastern, 0.016%; no homozygotes.

Submissions (2):

PreventionGenetics, part of Exact Sciences
Classification: Uncertain significance for ZNF423-related condition. Last evaluated: 2026-04-21. Review status: criteria provided, single submitter. Criteria: ACMG Guidelines, 2015. Collection method: clinical testing. Allele origin: germline.
Comment: The ZNF423 c.119G>A variant is predicted to result in the amino acid substitution p.Arg40His. To our knowledge, this variant has not been reported in the literature. This variant is reported in 0.0099% of alleles in individuals of Ashkenazi Jewish descent in gnomAD. At this time, the clinical significance of this variant is uncertain due to the absence of conclusive functional and genetic evidence.

Labcorp Genetics (formerly Invitae), Labcorp
Classification: Uncertain significance for Nephronophthisis 14. Last evaluated: 2022-05-27. Review status: criteria provided, single submitter. Criteria: Invitae Variant Classification Sherloc (09022015). Collection method: clinical testing. Allele origin: germline.
Comment: This sequence change replaces arginine, which is basic and polar, with histidine, which is basic and polar, at codon 40 of the ZNF423 protein (p.Arg40His). This variant is present in population databases (rs759959155, gnomAD 0.02%). This variant has not been reported in the literature in individuals affected with ZNF423-related conditions. ClinVar contains an entry for this variant (Variation ID: 1060986). Algorithms developed to predict the effect of missense changes on protein structure and function (SIFT, PolyPhen-2, Align-GVGD) all suggest that this variant is likely to be tolerated. In summary, the available evidence is currently insufficient to determine the role of this variant in disease. Therefore, it has been classified as a Variant of Uncertain Significance.